The following is an entry in ClinVar:

ClinVar aggregate classification (germline): Uncertain significance (1 of 4 stars; one submission).

Conditions:
Severe combined immunodeficiency due to IKK2 deficiency. Also called: IMMUNODEFICIENCY 15B; Immunodeficiency 15. Identifiers: Orphanet 397787, MedGen C4747743, MONDO:0014267, OMIM 615592.

Submission:

Labcorp Genetics (formerly Invitae), Labcorp
Classification: Uncertain significance for Severe combined immunodeficiency due to IKK2 deficiency. Last evaluated: 2020-04-08. Review status: criteria provided, single submitter. Criteria: Invitae Variant Classification Sherloc (09022015). Collection method: clinical testing. Allele origin: germline.
Comment: In summary, the available evidence is currently insufficient to determine the role of this variant in disease. Therefore, it has been classified as a Variant of Uncertain Significance. Algorithms developed to predict the effect of missense changes on protein structure and function are either unavailable or do not agree on the potential impact of this missense change (SIFT: "Deleterious"; PolyPhen-2: "Probably Damaging"; Align-GVGD: "Class C0"). This variant has not been reported in the literature in individuals with IKBKB-related conditions. This variant is not present in population databases (ExAC no frequency). This sequence change replaces methionine with isoleucine at codon 280 of the IKBKB protein (p.Met280Ile). The methionine residue is highly conserved and there is a small physicochemical difference between methionine and isoleucine.

NM_001556.3(IKBKB):c.840G>T (p.Met280Ile)

Gene: IKBKB (inhibitor of nuclear factor kappa B kinase subunit beta; plus strand). Cytogenetic location: 8p11.21.
Variant type: single nucleotide variant.
Coding change: c.840G>T on transcript NM_001556.3 (MANE Select); coding-DNA position 840, G replaced by T.
Protein change: p.Met280Ile; replaces methionine 280 with isoleucine.
Molecular consequence: missense variant. On other transcripts: non-coding transcript variant (3).
Genome position (GRCh38, 1-based): chr8:42,316,249, G>T. VCF-style: chr8-42316249-G-T. GRCh37 (hg19) VCF-style: chr8-42173767-G-T.
Other names: c.648G>T, p.Met216Ile (NM_001190720.3); c.663G>T, p.Met221Ile (NM_001242778.2); short protein forms M216I, M221I, M280I.
Identifiers: ClinVar variation 1020969 (VCV001020969.5), dbSNP rs1818662984, ClinGen allele CA371084169.